The following is an entry in ClinVar:

NM_001042492.3(NF1):c.7537C>A (p.Gln2513Lys)

Gene: NF1 (neurofibromin 1; plus strand). Cytogenetic location: 17q11.2.
Variant type: single nucleotide variant.
Coding change: c.7537C>A on transcript NM_001042492.3 (MANE Select); coding-DNA position 7537, C replaced by A.
Protein change: p.Gln2513Lys; replaces glutamine 2513 with lysine.
Molecular consequence: missense variant.
Genome position (GRCh38, 1-based): chr17:31,352,336, C>A. VCF-style: chr17-31352336-C-A. GRCh37 (hg19) VCF-style: chr17-29679354-C-A.
Other names: c.7474C>A, p.Gln2492Lys (NM_000267.4); short protein forms Q2492K, Q2513K.
Identifiers: ClinVar variation 3634600 (VCV003634600.2).

ClinVar aggregate classification (germline): Uncertain significance (1 of 4 stars; one submission).

Conditions:
Neurofibromatosis, type 1 (NF1). Also called: VON RECKLINGHAUSEN DISEASE; Peripheral type neurofibromatosis; NEUROFIBROMATOSIS, TYPE I, SOMATIC; Neurofibromatosis, type I. Identifiers: Orphanet 636, MedGen C0027831, MONDO:0018975, OMIM 162200. Disease mechanism: loss of function.

Submission:

Labcorp Genetics (formerly Invitae), Labcorp
Classification: Uncertain significance for Neurofibromatosis, type 1. Last evaluated: 2024-09-11. Review status: criteria provided, single submitter. Criteria: Invitae Variant Classification Sherloc (09022015). Collection method: clinical testing. Allele origin: germline.
Comment: This sequence change replaces glutamine, which is neutral and polar, with lysine, which is basic and polar, at codon 2492 of the NF1 protein (p.Gln2492Lys). This variant is not present in population databases (gnomAD no frequency). This variant has not been reported in the literature in individuals affected with NF1-related conditions. Invitae Evidence Modeling of protein sequence and biophysical properties (such as structural, functional, and spatial information, amino acid conservation, physicochemical variation, residue mobility, and thermodynamic stability) has been performed for this missense variant. However, the output from this modeling did not meet the statistical confidence thresholds required to predict the impact of this variant on NF1 protein function. In summary, the available evidence is currently insufficient to determine the role of this variant in disease. Therefore, it has been classified as a Variant of Uncertain Significance.